The following is an entry in ClinVar:

ClinVar aggregate classification (germline): Uncertain significance (1 of 4 stars; one submission).

Conditions:
Snijders blok-fisher syndrome. Identifiers: Orphanet 656135, MedGen C5231424, MONDO:0032830, OMIM 618604.

Submission:

Neuberg Centre For Genomic Medicine, NCGM
Classification: Uncertain significance for Snijders blok-fisher syndrome. Last evaluated: 2023-05-20. Review status: criteria provided, single submitter. Criteria: ACMG Guidelines, 2015. Collection method: clinical testing. Allele origin: germline. Inheritance: Autosomal dominant inheritance. Affected: yes.
Comment: The observed inframe deletion c.734_739del(p.Gly245_Gly246del) variant in POU3F3 gene has not been reported previously as a pathogenic variant nor a benign variant, to our knowledge. The p.Gly245_Gly246del variant has been reported with allele frequency of 0% in gnomAD Exomes. This variant has not been submitted to the ClinVar database. This p.Gly245_Gly246del causes deletion of amino acid Glycine at position 245 to Glycine at position 246. For these reasons, this variant has been classified as a Variant of Uncertain Significance (VUS).

NM_006236.3(POU3F3):c.722GCG[4] (p.Gly245_Gly246del)

Gene: POU3F3 (POU class 3 homeobox 3; plus strand). Cytogenetic location: 2q12.1.
Variant type: Microsatellite.
Coding change: c.722GCG[4] on transcript NM_006236.3 (MANE Select); four copies in a row of the 3-base unit GCG starting at c.722; the reference has six copies in a row; two copies, 6 bases deleted; also written c.734_739del.
Protein change: p.Gly245_Gly246del.
Genome position (GRCh38, 1-based): chr2:104,856,244-104,856,249, GCGGCG deleted; deleting any 6 consecutive bases within chr2:104,856,230-104,856,249 gives the same sequence; the position shown is the placement nearest the transcript's 3' end. VCF-style (leftmost placement, unchanged base first): chr2-104856229-CCGGCGG-C. GRCh37 (hg19) VCF-style: chr2-105472687-CCGGCGG-C.
Other names: c.734_739del (NM_006236.3).
Identifiers: ClinVar variation 3362342 (VCV003362342.3).
Genomic context (GRCh38, chr2:104,856,229, plus strand): 5'-TGCTCTACTCGCAGCCCGGAGGCTTCACGGTGAACGGCATGCTGAGCGCGCCACCGGGGC[CCGGCGG>C]CGGCGGCGGCGGCGCGGGCGGTGGAGCCCAGAGCTTGGTGCACCCGGGGCTGGTGCGCGG-3'